The following is an entry in ClinVar:

ClinVar aggregate classification (germline): Uncertain significance (1 of 4 stars; one submission).

Conditions:
Symmetrical dyschromatosis of extremities (DSH). Also called: DYSCHROMATOSIS SYMMETRICA HEREDITARIA 1; RETICULATE ACROPIGMENTATION OF DOHI; SYMMETRIC DYSCHROMATOSIS OF THE EXTREMITIES; Dyschromatosis symmetrica hereditaria. Identifiers: Orphanet 41, MedGen C0406775, MONDO:0007483, OMIM 127400.
Aicardi-Goutieres syndrome 6 (AGS6). Identifiers: Orphanet 51, MedGen C3539013, MONDO:0014007, OMIM 615010.

Submission:

Labcorp Genetics (formerly Invitae), Labcorp
Classification: Uncertain significance for Aicardi-Goutieres syndrome 6; Symmetrical dyschromatosis of extremities. Last evaluated: 2022-08-15. Review status: criteria provided, single submitter. Criteria: Invitae Variant Classification Sherloc (09022015). Collection method: clinical testing. Allele origin: germline.
Comment: This sequence change replaces histidine, which is basic and polar, with arginine, which is basic and polar, at codon 110 of the ADAR protein (p.His110Arg). In summary, the available evidence is currently insufficient to determine the role of this variant in disease. Therefore, it has been classified as a Variant of Uncertain Significance. Algorithms developed to predict the effect of missense changes on protein structure and function output the following: SIFT: "Tolerated"; PolyPhen-2: "Benign"; Align-GVGD: "Class C0". The arginine amino acid residue is found in multiple mammalian species, which suggests that this missense change does not adversely affect protein function. This variant has not been reported in the literature in individuals affected with ADAR-related conditions. This variant is not present in population databases (gnomAD no frequency).

NM_001111.5(ADAR):c.329A>G (p.His110Arg)

Gene: ADAR (adenosine deaminase RNA specific; minus strand). Cytogenetic location: 1q21.3.
Variant type: single nucleotide variant.
Coding change: c.329A>G on transcript NM_001111.5 (MANE Select); coding-DNA position 329, A replaced by G.
Protein change: p.His110Arg; replaces histidine 110 with arginine.
Molecular consequence: missense variant. On other transcripts: 5 prime UTR variant (3), intron variant (3).
Genome position (GRCh38, 1-based): chr1:154,602,313, T>C on the plus strand (A>G on the coding strand, the complement: ADAR is on the minus strand). VCF-style: chr1-154602313-T-C. GRCh37 (hg19) VCF-style: chr1-154574789-T-C.
Other names: c.-557A>G (NM_001025107.3, NM_001193495.2, NM_001365048.1); c.356A>G, p.His119Arg (NM_001365045.1); c.329A>G, p.His110Arg (NM_015840.4, NM_015841.4); c.-492-65A>G (NM_001365046.1, NM_001365049.1, NM_001365047.1); short protein forms H110R, H119R.
Identifiers: ClinVar variation 2157267 (VCV002157267.4), dbSNP rs2526667980, ClinGen allele CA342604240.